The following is an entry in ClinVar:

NM_001330078.2(NRXN1):c.1759+4del

Gene: NRXN1 (neurexin 1; minus strand). Cytogenetic location: 2p16.3.
Variant type: Deletion.
Coding change: c.1759+4del on transcript NM_001330078.2 (MANE Select); 4 bases into the intron after coding-DNA position 1759, one base deleted (A; older notation c.1759+4delA).
Molecular consequence: intron variant.
Genome position (GRCh38, 1-based): chr2:50,552,583, T deleted on the plus strand (A on the coding strand, the reverse complement: NRXN1 is on the minus strand); the first of 2 consecutive T bases (chr2:50,552,583-50,552,584); deleting either gives the same sequence. VCF-style (leftmost placement, unchanged base first): chr2-50552582-AT-A. GRCh37 (hg19) VCF-style: chr2-50779720-AT-A.
Other names: c.1675+4del (NM_001330096.2, NM_001330087.2); c.1720+4del (NM_001330083.2, NM_001330084.2); c.1705+4del (NM_001330088.2); c.1756+4del (NM_001330093.2); c.1747+4del (NM_001330094.2); c.1735+4del (NM_001330095.2, NM_001330082.2, NM_001330077.2); c.1759+4del (NM_001330085.2, NM_004801.6, NM_001330086.2); c.1879+4del (NM_001135659.3).
Identifiers: ClinVar variation 2744709 (VCV002744709.3), dbSNP rs2465825245, ClinGen allele CA2697548094.

ClinVar aggregate classification (germline): Uncertain significance (1 of 4 stars; one submission).

Conditions:
Pitt-Hopkins-like syndrome 2 (PTHSL2). Identifiers: Orphanet 221150, Orphanet 600663, MedGen C3280479, MONDO:0013690, OMIM 614325.

Submission:

Labcorp Genetics (formerly Invitae), Labcorp
Classification: Uncertain significance for Pitt-Hopkins-like syndrome 2. Last evaluated: 2023-08-08. Review status: criteria provided, single submitter. Criteria: Invitae Variant Classification Sherloc (09022015). Collection method: clinical testing. Allele origin: germline.
Comment: This sequence change falls in intron 10 of the NRXN1 gene. It does not directly change the encoded amino acid sequence of the NRXN1 protein. It affects a nucleotide within the consensus splice site. This variant is not present in population databases (gnomAD no frequency). This variant has not been reported in the literature in individuals affected with NRXN1-related conditions. Variants that disrupt the consensus splice site are a relatively common cause of aberrant splicing (PMID: 17576681, 9536098). Algorithms developed to predict the effect of sequence changes on RNA splicing suggest that this variant is not likely to affect RNA splicing. In summary, the available evidence is currently insufficient to determine the role of this variant in disease. Therefore, it has been classified as a Variant of Uncertain Significance.

Literature cited by the submitters: PubMed 17576681; PubMed 9536098.